The following is an entry in ClinVar:

NM_001128205.2(SULF1):c.664G>A (p.Ala222Thr)

Gene: SULF1 (sulfatase 1; plus strand). Cytogenetic location: 8q13.2.
Variant type: single nucleotide variant.
Coding change: c.664G>A on transcript NM_001128205.2 (MANE Select); coding-DNA position 664, G replaced by A.
Protein change: p.Ala222Thr; replaces alanine 222 with threonine.
Molecular consequence: missense variant. On other transcripts: non-coding transcript variant (2).
Genome position (GRCh38, 1-based): chr8:69,589,071, G>A. VCF-style: chr8-69589071-G-A. GRCh37 (hg19) VCF-style: chr8-70501306-G-A.
Other names: c.664G>A, p.Ala222Thr (NM_001128204.2, NM_001128206.2, NM_015170.3); c.664G>A (NM_001128205.1); short protein forms A222T.
Identifiers: ClinVar variation 1567391 (VCV001567391.10), dbSNP rs561821873, ClinGen allele CA4775632.
Genomic context (GRCh38, chr8:69,589,071, plus strand): 5'-TACTTCAAAATGTCTAAGAGAATGTATCCCCATAGGCCCGTTATGATGGTGATCAGCCAC[G>A]CTGCGCCCCACGGCCCCGAGGACTCAGCCCCACAGTTTTCTAAACTGTACCCCAATGCTT-3'
Protein context (NP_001121677.1, residues 212-232): HRPVMMVISH[Ala222Thr]APHGPEDSAP

ClinVar aggregate classification (germline): Likely benign. Review status: criteria provided, single submitter (1 of 4 stars). 2 submissions from 2 submitters: Likely benign (1). 1 of the submissions does not count toward it. Last evaluated 2025-07-30.

Conditions:
SULF1-related disorder. Also called: SULF1-related condition.

Allele frequency attached by ClinVar (database versions not stated): gnomAD 0.00004 and 0.00024; TOPMed 0.00008; gnomAD exomes 0.00029 and 0.00053; 1000 Genomes Project 0.00060; ExAC 0.00064; 1000 Genomes Project 30x 0.00078.
gnomAD v4.1: 479 of 1,614,128 alleles (0.03%); highest among the groups gnomAD compares: South Asian, 0.43%; 2 homozygotes.

Submissions (2):

Labcorp Genetics (formerly Invitae), Labcorp
Classification: Likely benign. Last evaluated: 2025-07-30. Review status: criteria provided, single submitter. Criteria: Invitae Variant Classification Sherloc (09022015). Collection method: clinical testing. Allele origin: germline.

PreventionGenetics, part of Exact Sciences
Classification: Likely benign for SULF1-related condition. Last evaluated: 2022-03-21. Review status: no assertion criteria provided. Collection method: clinical testing. Allele origin: germline. Not counted in ClinVar's aggregate classification.
Comment: This variant is classified as likely benign based on ACMG/AMP sequence variant interpretation guidelines (Richards et al. 2015 PMID: 25741868, with internal and published modifications).